The following is an entry in ClinVar:

ClinVar aggregate classification (germline): Likely benign. Review status: criteria provided, single submitter (1 of 4 stars). 2 submissions from 2 submitters: Likely benign (1). 1 of the submissions does not count toward it. Last evaluated 2024-12-09.

Conditions:
FOXC1-related disorder. Also called: FOXC1-related condition.
Axenfeld-Rieger syndrome type 3 (RIEG3). Also called: AXENFELD-RIEGER ANOMALY WITH CARDIAC DEFECTS AND/OR SENSORINEURAL HEARING LOSS. Identifiers: Orphanet 782, MedGen C2678503, MONDO:0011233, OMIM 602482.

Allele frequency attached by ClinVar (database versions not stated): gnomAD exomes below 0.00001.

Submissions (2):

Labcorp Genetics (formerly Invitae), Labcorp
Classification: Likely benign for Axenfeld-Rieger syndrome type 3. Last evaluated: 2024-12-09. Review status: criteria provided, single submitter. Criteria: Invitae Variant Classification Sherloc (09022015). Collection method: clinical testing. Allele origin: germline.

PreventionGenetics, part of Exact Sciences
Classification: Likely benign for FOXC1-related condition. Last evaluated: 2022-11-22. Review status: no assertion criteria provided. Collection method: clinical testing. Allele origin: germline. Not counted in ClinVar's aggregate classification.
Comment: This variant is classified as likely benign based on ACMG/AMP sequence variant interpretation guidelines (Richards et al. 2015 PMID: 25741868, with internal and published modifications).

NM_001453.3(FOXC1):c.105C>T (p.Gly35=)

Gene: FOXC1 (forkhead box C1; plus strand). Cytogenetic location: 6p25.3.
Variant type: single nucleotide variant.
Coding change: c.105C>T on transcript NM_001453.3 (MANE Select); coding-DNA position 105, C replaced by T.
Protein change: p.Gly35=; no amino-acid change (glycine 35 retained).
Molecular consequence: synonymous variant.
Genome position (GRCh38, 1-based): chr6:1,610,550, C>T. VCF-style: chr6-1610550-C-T. GRCh37 (hg19) VCF-style: chr6-1610785-C-T.
Other names: c.105C>T (NM_001453.2).
Identifiers: ClinVar variation 1942057 (VCV001942057.7), dbSNP rs2480501514, ClinGen allele CA448393354.